The following is an entry in ClinVar:

NM_002496.4(NDUFS8):c.19C>A (p.Pro7Thr)

Gene: NDUFS8 (NADH:ubiquinone oxidoreductase core subunit S8; plus strand). Cytogenetic location: 11q13.2.
Variant type: single nucleotide variant.
Coding change: c.19C>A on transcript NM_002496.4 (MANE Select); coding-DNA position 19, C replaced by A.
Protein change: p.Pro7Thr; replaces proline 7 with threonine.
Molecular consequence: missense variant.
Genome position (GRCh38, 1-based): chr11:68,032,170, C>A. VCF-style: chr11-68032170-C-A. GRCh37 (hg19) VCF-style: chr11-67799637-C-A.
Other names: p.Pro7Thr; short protein forms P7T.
Identifiers: ClinVar variation 746925 (VCV000746925.45), dbSNP rs142658611, ClinGen allele CA6146321.

ClinVar aggregate classification (germline): Conflicting classifications of pathogenicity. Review status: criteria provided, conflicting classifications (1 of 4 stars). 10 submissions from 9 submitters: Uncertain significance (4); Likely benign (5). 1 of the submissions does not count toward it. Last evaluated 2026-09-08.

Conditions:
NDUFS8-related disorder. Also called: NDUFS8-related condition.
Mitochondrial complex I deficiency, nuclear type 1. Also called: NADH-COENZYME Q REDUCTASE DEFICIENCY; MITOCHONDRIAL NADH DEHYDROGENASE COMPONENT OF COMPLEX I, DEFICIENCY OF. Identifiers: MedGen C6022305, MONDO:0100224, OMIM 252010.
Leigh syndrome (NULS). Also called: Leigh Syndrome (mtDNA deletion); Leigh's syndrome; Leigh Disease; Subacute necrotizing encephalopathy; Necrotizing encephalopathy infantile subacute of Leigh; LEIGH SYNDROME, NUCLEAR. Identifiers: Orphanet 506, MedGen C2931891, MONDO:0009723, OMIM 256000.

Allele frequency attached by ClinVar (database versions not stated): gnomAD exomes 0.00012 and 0.00027; 1000 Genomes Project 30x 0.00016; 1000 Genomes Project 0.00020; ExAC 0.00029; ESP Exome Variant Server 0.00069; gnomAD 0.00074 and 0.00081; TOPMed 0.00086.
gnomAD v4.1: 301 of 1,612,734 alleles (0.019%); highest among the groups gnomAD compares: African/African-American, 0.27%; 1 homozygote.

Submissions (10):

PreventionGenetics, part of Exact Sciences
Classification: Likely benign for NDUFS8-related condition. Last evaluated: 2026-09-08. Review status: criteria provided, single submitter. Criteria: ACMG Guidelines, 2015. Collection method: clinical testing. Allele origin: germline.
Comment: This variant is classified as likely benign based on ACMG/AMP sequence variant interpretation guidelines (Richards et al. 2015 PMID: 25741868, with internal and published modifications).

Labcorp Genetics (formerly Invitae), Labcorp
Classification: Likely benign. Last evaluated: 2025-09-08. Review status: criteria provided, single submitter. Criteria: Invitae Variant Classification Sherloc (09022015). Collection method: clinical testing. Allele origin: germline.

Blueprint Genetics
Classification: Likely benign. Last evaluated: 2024-11-07. Review status: criteria provided, single submitter. Criteria: ACMG Guidelines, 2015. Collection method: clinical testing. Allele origin: germline.

Mayo Clinic Laboratories, Mayo Clinic
Classification: Likely benign. Last evaluated: 2024-09-27. Review status: criteria provided, single submitter. Criteria: ACMG Guidelines, 2015. Collection method: clinical testing. Allele origin: germline. Observed: 2 variant alleles.
Comment: BS1, BP4, PM2_moderate

CeGaT Center for Human Genetics Tuebingen
Classification: Likely benign. Last evaluated: 2023-09-01. Review status: criteria provided, single submitter. Criteria: CeGaT Center For Human Genetics Tuebingen Variant Classification Criteria Version 2. Collection method: clinical testing. Allele origin: germline. Affected: yes. Observed: 1 variant allele.
Comment: NDUFS8: BP4, BS2

GeneDx
Classification: Uncertain significance. Last evaluated: 2021-03-18. Review status: criteria provided, single submitter. Criteria: GeneDx Variant Classification Process June 2021. Collection method: clinical testing. Allele origin: germline. Affected: yes.
Comment: In silico analysis supports that this missense variant does not alter protein structure/function; Has not been previously published as pathogenic or benign to our knowledge

Baylor Genetics
Classification: Uncertain significance for Leigh syndrome. Last evaluated: 2020-01-15. Review status: criteria provided, single submitter. Criteria: ACMG Guidelines, 2015. Collection method: clinical testing. Allele origin: paternal. Affected: yes.
Comment: This variant was determined to be of uncertain significance according to ACMG Guidelines, 2015 [PMID:25741868].

Illumina Laboratory Services, Illumina
Classification: Uncertain significance for Leigh syndrome. Last evaluated: 2017-04-27. Review status: criteria provided, single submitter. Criteria: ICSL Variant Classification Criteria 13 December 2019. Collection method: clinical testing. Allele origin: germline.

Illumina Laboratory Services, Illumina
Classification: Uncertain significance for Mitochondrial complex I deficiency, nuclear type 1. Last evaluated: 2017-04-27. Review status: criteria provided, single submitter. Criteria: ICSL Variant Classification Criteria 13 December 2019. Collection method: clinical testing. Allele origin: germline.

Department of Pathology and Laboratory Medicine, Sinai Health System
Classification: Uncertain significance. Review status: no assertion criteria provided. Collection method: clinical testing. Allele origin: unknown. Affected: yes. Study: The Canadian Open Genetics Repository (COGR). Not counted in ClinVar's aggregate classification.
Comment: The NDUFS8 p.Pro7Thr variant was not identified in the literature nor was it identified in ClinVar, Cosmic or LOVD 3.0. The variant was identified in dbSNP (ID: rs142658611) and in control databases in 84 of 282786 chromosomes at a frequency of 0.000297 (Genome Aggregation Database Feb 27, 2017). The variant was observed in the following populations: African in 51 of 24972 chromosomes (freq: 0.002042), Other in 6 of 7222 chromosomes (freq: 0.000831), Latino in 23 of 35436 chromosomes (freq: 0.000649), Ashkenazi Jewish in 1 of 10364 chromosomes (freq: 0.000096), South Asian in 1 of 30616 chromosomes (freq: 0.000033) and European (non-Finnish) in 2 of 129102 chromosomes (freq: 0.000015); it was not observed in the East Asian or European (Finnish) populations. The p.Pro7 residue is not conserved in mammals and four out of five computational analyses (PolyPhen-2, SIFT, AlignGVGD, MutationTaster) do not suggest a high likelihood of impact to the protein; however, this information is not predictive enough to rule out pathogenicity. The variant occurs outside of the splicing consensus sequence and in silico or computational prediction software programs (SpliceSiteFinder, MaxEntScan, NNSPLICE, GeneSplicer) do not predict a difference in splicing. In summary, based on the above information the clinical significance of this variant cannot be determined with certainty at this time. This variant is classified as a variant of uncertain significance.